The following is an entry in ClinVar:

NM_001161403.3(LIMS2):c.14A>G (p.Asn5Ser)

Gene: LIMS2 (LIM zinc finger domain containing 2; minus strand). Cytogenetic location: 2q14.3.
Variant type: single nucleotide variant.
Coding change: c.14A>G on transcript NM_001161403.3 (MANE Select); coding-DNA position 14, A replaced by G.
Protein change: p.Asn5Ser; replaces asparagine 5 with serine.
Molecular consequence: missense variant. On other transcripts: 5 prime UTR variant (1).
Genome position (GRCh38, 1-based): chr2:127,657,560, T>C on the plus strand (A>G on the coding strand, the complement: LIMS2 is on the minus strand). VCF-style: chr2-127657560-T-C. GRCh37 (hg19) VCF-style: chr2-128415134-T-C.
Other names: c.80A>G, p.Asn27Ser (NM_001136037.4); c.-2A>G (NM_001161404.2); c.86A>G, p.Asn29Ser (NM_017980.5); short protein forms N27S, N5S, N29S.
Identifiers: ClinVar variation 1047114 (VCV001047114.9), dbSNP rs772186673, ClinGen allele CA1863606.
Genomic context (GRCh38, chr2:127,657,560, plus strand): 5'-GCGGGGGAGAAGCGGGCCTGGCAGCGCTGGCACACGGCGTTGGCCAAGGCGTCCGACATA[T>C]TGCTGGGGGCAGGAGACAGGAGGAGTGAGTCAGAGCTGGTCAGGGGTGCAGATGGGGCAC-3'
Protein context (NP_001154875.1, residues 1-15): MTGS[Asn5Ser]MSDALANAVC

ClinVar aggregate classification (germline): Uncertain significance (1 of 4 stars; one submission).

Conditions:
Autosomal recessive limb-girdle muscular dystrophy type 2W (MDRCMTT). Also called: Muscular dystrophy, autosomal recessive, with cardiomyopathy and triangular tongue; Muscular dystrophy, limb-girdle, type 2W. Identifiers: MedGen C4225192, MONDO:0014788, OMIM 616827.

Allele frequency attached by ClinVar (database versions not stated): TOPMed below 0.00001; gnomAD 0.00001; gnomAD exomes 0.00001 and 0.00002; ExAC 0.00002.
gnomAD v4.1: 17 of 1,596,676 alleles (0.0011%); highest among the groups gnomAD compares: Middle Eastern, 0.017%; no homozygotes.

Submission:

Labcorp Genetics (formerly Invitae), Labcorp
Classification: Uncertain significance for Autosomal recessive limb-girdle muscular dystrophy type 2W. Last evaluated: 2022-08-23. Review status: criteria provided, single submitter. Criteria: Invitae Variant Classification Sherloc (09022015). Collection method: clinical testing. Allele origin: germline.
Comment: In summary, the available evidence is currently insufficient to determine the role of this variant in disease. Therefore, it has been classified as a Variant of Uncertain Significance. Algorithms developed to predict the effect of sequence changes on RNA splicing suggest that this variant may create or strengthen a splice site. Algorithms developed to predict the effect of missense changes on protein structure and function (SIFT, PolyPhen-2, Align-GVGD) all suggest that this variant is likely to be tolerated. ClinVar contains an entry for this variant (Variation ID: 1047114). This variant has not been reported in the literature in individuals affected with LIMS2-related conditions. This variant is present in population databases (rs772186673, gnomAD 0.01%). This sequence change replaces asparagine, which is neutral and polar, with serine, which is neutral and polar, at codon 27 of the LIMS2 protein (p.Asn27Ser).